The following is an entry in ClinVar:

ClinVar aggregate classification (germline): Uncertain significance (1 of 4 stars; one submission).

Allele frequency attached by ClinVar (database versions not stated): gnomAD exomes below 0.00001; ExAC 0.00001; gnomAD 0.00001; TOPMed 0.00003.
gnomAD v4.1: 3 of 1,609,388 alleles (0.00019%); highest among the groups gnomAD compares: Admixed American, 0.0033%; no homozygotes.

Submission:

Labcorp Genetics (formerly Invitae), Labcorp
Classification: Uncertain significance. Last evaluated: 2023-02-08. Review status: criteria provided, single submitter. Criteria: Invitae Variant Classification Sherloc (09022015). Collection method: clinical testing. Allele origin: germline.
Comment: In summary, the available evidence is currently insufficient to determine the role of this variant in disease. Therefore, it has been classified as a Variant of Uncertain Significance. Algorithms developed to predict the effect of missense changes on protein structure and function output the following: SIFT: "Tolerated"; PolyPhen-2: "Benign"; Align-GVGD: "Class C0". The asparagine amino acid residue is found in multiple mammalian species, which suggests that this missense change does not adversely affect protein function. This variant has not been reported in the literature in individuals affected with KCNJ13-related conditions. This variant is not present in population databases (gnomAD no frequency). This sequence change replaces serine, which is neutral and polar, with asparagine, which is neutral and polar, at codon 3 of the KCNJ13 protein (p.Ser3Asn).

NM_002242.4(KCNJ13):c.8G>A (p.Ser3Asn)

Genes: GIGYF2 (GRB10 interacting GYF protein 2; plus strand), KCNJ13 (potassium inwardly rectifying channel subfamily J member 13; minus strand). Cytogenetic location: 2q37.1.
Variant type: single nucleotide variant.
Coding change: c.8G>A on transcript NM_002242.4 (MANE Select); coding-DNA position 8, G replaced by A.
Protein change: p.Ser3Asn; replaces serine 3 with asparagine.
Molecular consequence: missense variant. On other transcripts: intron variant (5).
Genome position (GRCh38, 1-based): chr2:232,771,355, C>T on the plus strand (G>A on the coding strand, the complement: KCNJ13 is on the minus strand). VCF-style: chr2-232771355-C-T. GRCh37 (hg19) VCF-style: chr2-233636065-C-T.
Other names: c.8G>A, p.Ser3Asn (NM_001172416.1); c.532+9919C>T (NM_001103146.3, NM_015575.4, NM_001103148.2); c.533-5057C>T (NM_001103147.2); c.-23-210G>A (NM_001172417.1); short protein forms S3N.
Identifiers: ClinVar variation 2724933 (VCV002724933.3), dbSNP rs779944275, ClinGen allele CA2170100.